The following is an entry in ClinVar:

NM_000322.5(PRPH2):c.925G>A (p.Glu309Lys)

Gene: PRPH2 (peripherin 2; minus strand). Cytogenetic location: 6p21.1.
Variant type: single nucleotide variant.
Coding change: c.925G>A on transcript NM_000322.5 (MANE Select); coding-DNA position 925, G replaced by A.
Protein change: p.Glu309Lys; replaces glutamic acid 309 with lysine.
Molecular consequence: missense variant.
Genome position (GRCh38, 1-based): chr6:42,698,411, C>T on the plus strand (G>A on the coding strand, the complement: PRPH2 is on the minus strand). VCF-style: chr6-42698411-C-T. GRCh37 (hg19) VCF-style: chr6-42666149-C-T.
Other names: short protein forms E309K.
Identifiers: ClinVar variation 3665258 (VCV003665258.2).

ClinVar aggregate classification (germline): Uncertain significance (1 of 4 stars; one submission).

Conditions:
PRPH2-related disorder. Also called: PRPH2-related disorders; PRPH2-related condition. Identifiers: MedGen CN239395.

gnomAD v4.1: 10 of 1,613,898 alleles (0.00062%); highest among the groups gnomAD compares: South Asian, 0.011%; 1 homozygote.

Submission:

Labcorp Genetics (formerly Invitae), Labcorp
Classification: Uncertain significance for PRPH2-related disorder. Last evaluated: 2024-02-24. Review status: criteria provided, single submitter. Criteria: Invitae Variant Classification Sherloc (09022015). Collection method: clinical testing. Allele origin: germline.
Comment: This sequence change replaces glutamic acid, which is acidic and polar, with lysine, which is basic and polar, at codon 309 of the PRPH2 protein (p.Glu309Lys). This variant is present in population databases (rs764785171, gnomAD 0.01%). This variant has not been reported in the literature in individuals affected with PRPH2-related conditions. Advanced modeling of protein sequence and biophysical properties (such as structural, functional, and spatial information, amino acid conservation, physicochemical variation, residue mobility, and thermodynamic stability) has been performed at Invitae for this missense variant, however the output from this modeling did not meet the statistical confidence thresholds required to predict the impact of this variant on PRPH2 protein function. In summary, the available evidence is currently insufficient to determine the role of this variant in disease. Therefore, it has been classified as a Variant of Uncertain Significance.